The following is an entry in ClinVar:

NM_001378120.1(MBD5):c.1591A>G (p.Asn531Asp)

Gene: MBD5 (methyl-CpG binding domain protein 5; plus strand). Cytogenetic location: 2q23.1.
Variant type: single nucleotide variant.
Coding change: c.1591A>G on transcript NM_001378120.1 (MANE Select); coding-DNA position 1591, A replaced by G.
Protein change: p.Asn531Asp; replaces asparagine 531 with aspartic acid.
Molecular consequence: missense variant.
Genome position (GRCh38, 1-based): chr2:148,469,534, A>G. VCF-style: chr2-148469534-A-G. GRCh37 (hg19) VCF-style: chr2-149227103-A-G.
Other names: p.N531D:AAT>GAT; c.1591A>G, p.Asn531Asp (NM_018328.5); short protein forms N531D.
Identifiers: ClinVar variation 206073 (VCV000206073.40), dbSNP rs757922781, ClinGen allele CA315802.

ClinVar aggregate classification (germline): Likely benign. Review status: criteria provided, multiple submitters, no conflicts (2 of 4 stars). 6 submissions from 6 submitters: Likely benign (5). 1 of the submissions does not count toward it. Last evaluated 2024-10-22.

Conditions:
MBD5-related disorder. Also called: MBD5-related condition.
Inborn genetic diseases. Identifiers: MedGen C0950123, MeSH D030342.
Intellectual developmental disorder, autosomal dominant 1. Also called: Intellectual disability, autosomal dominant 1; MBD5 Haploinsufficiency. Identifiers: Orphanet 228402, MedGen C1969562, MONDO:0007974, OMIM 156200.

Allele frequency attached by ClinVar (database versions not stated): gnomAD 0.00002 and 0.00005; gnomAD exomes 0.00002 and 0.00003; ExAC 0.00005; TOPMed 0.00010.
gnomAD v4.1: 38 of 1,613,662 alleles (0.0024%); highest among the groups gnomAD compares: Admixed American, 0.0067%; no homozygotes.

Submissions (6):

Labcorp Genetics (formerly Invitae), Labcorp
Classification: Likely benign for Intellectual developmental disorder, autosomal dominant 1. Last evaluated: 2024-10-22. Review status: criteria provided, single submitter. Criteria: Invitae Variant Classification Sherloc (09022015). Collection method: clinical testing. Allele origin: germline.

Blueprint Genetics
Classification: Likely benign. Last evaluated: 2024-09-09. Review status: criteria provided, single submitter. Criteria: ACMG Guidelines, 2015. Collection method: clinical testing. Allele origin: germline.

Ambry Genetics
Classification: Likely benign for Inborn genetic diseases. Last evaluated: 2023-09-29. Review status: criteria provided, single submitter. Criteria: Ambry Variant Classification Scheme 2023. Collection method: clinical testing. Allele origin: germline.

CeGaT Center for Human Genetics Tuebingen
Classification: Likely benign. Last evaluated: 2023-07-01. Review status: criteria provided, single submitter. Criteria: CeGaT Center For Human Genetics Tuebingen Variant Classification Criteria Version 2. Collection method: clinical testing. Allele origin: germline. Affected: yes. Observed: 1 variant allele.
Comment: MBD5: BS1

GeneDx
Classification: Likely benign. Last evaluated: 2018-05-22. Review status: criteria provided, single submitter. Criteria: GeneDx Variant Classification Process June 2021. Collection method: clinical testing. Allele origin: germline. Affected: yes.

PreventionGenetics, part of Exact Sciences
Classification: Likely benign for MBD5-related condition. Last evaluated: 2023-05-06. Review status: no assertion criteria provided. Collection method: clinical testing. Allele origin: germline. Not counted in ClinVar's aggregate classification.
Comment: This variant is classified as likely benign based on ACMG/AMP sequence variant interpretation guidelines (Richards et al. 2015 PMID: 25741868, with internal and published modifications).